The following is an entry in ClinVar:

NM_000240.4(MAOA):c.953A>C (p.Lys318Thr)

Gene: MAOA (monoamine oxidase A; plus strand). Cytogenetic location: Xp11.3.
Variant type: single nucleotide variant.
Coding change: c.953A>C on transcript NM_000240.4 (MANE Select); coding-DNA position 953, A replaced by C.
Protein change: p.Lys318Thr; replaces lysine 318 with threonine.
Molecular consequence: missense variant.
Genome position (GRCh38, 1-based): chrX:43,731,851, A>C. VCF-style: chrX-43731851-A-C. GRCh37 (hg19) VCF-style: chrX-43591098-A-C.
Other names: c.554A>C, p.Lys185Thr (NM_001270458.2); short protein forms K185T, K318T.
Identifiers: ClinVar variation 4976344 (VCV004976344.1).

ClinVar aggregate classification (germline): Uncertain significance (1 of 4 stars; one submission).

gnomAD v4.1: 6 of 1,203,694 alleles (0.0005%); highest among the groups gnomAD compares: Non-Finnish European, 0.00068%; no homozygotes.

Submission:

GeneDx
Classification: Uncertain significance. Last evaluated: 2026-02-12. Review status: criteria provided, single submitter. Criteria: GeneDx Variant Classification Process June 2021. Collection method: clinical testing. Allele origin: germline.
Comment: Not observed at significant frequency in large population cohorts (gnomAD); In silico analysis supports that this missense variant has a deleterious effect on protein structure/function; Has not been previously published as pathogenic or benign to our knowledge